The following is an entry in ClinVar:

ClinVar aggregate classification (germline): Pathogenic (1 of 4 stars; one submission).

Conditions:
Baller-Gerold syndrome (BGS). Also called: CRANIOSYNOSTOSIS WITH RADIAL DEFECTS. Identifiers: Orphanet 1225, MedGen C0265308, MONDO:0009039, OMIM 218600.

Submission:

Labcorp Genetics (formerly Invitae), Labcorp
Classification: Pathogenic for Baller-Gerold syndrome. Last evaluated: 2021-09-20. Review status: criteria provided, single submitter. Criteria: Invitae Variant Classification Sherloc (09022015). Collection method: clinical testing. Allele origin: germline.
Comment: This sequence change creates a premature translational stop signal (p.Ala467Valfs*91) in the RECQL4 gene. It is expected to result in an absent or disrupted protein product. Loss-of-function variants in RECQL4 are known to be pathogenic (PMID: 12734318, 12952869). This variant is not present in population databases (ExAC no frequency). This variant has not been reported in the literature in individuals affected with RECQL4-related conditions. ClinVar contains an entry for this variant (Variation ID: 574681). For these reasons, this variant has been classified as Pathogenic.

Literature cited by the submitters: PubMed 12734318; PubMed 12952869.

NM_004260.4(RECQL4):c.1400del (p.Ala467fs)

Gene: RECQL4 (RecQ like helicase 4; minus strand). Cytogenetic location: 8q24.3.
Variant type: Deletion.
Coding change: c.1400del on transcript NM_004260.4 (MANE Select); coding-DNA position 1400, one base deleted (C; older notation c.1400delC).
Protein change: p.Ala467fs; shifts the reading frame from alanine 467.
Molecular consequence: frameshift variant.
Genome position (GRCh38, 1-based): chr8:144,515,233, G deleted on the plus strand (C on the coding strand, the reverse complement: RECQL4 is on the minus strand). VCF-style (leftmost placement, unchanged base first): chr8-144515232-AG-A. GRCh37 (hg19) VCF-style: chr8-145740616-AG-A.
Other names: c.1400delC (NM_004260.3); short protein forms A467fs.
Identifiers: ClinVar variation 574681 (VCV000574681.5), dbSNP rs1564802464, ClinGen allele CA891842670.